The following is an entry in ClinVar:

NM_000297.4(PKD2):c.658G>C (p.Val220Leu)

Gene: PKD2 (polycystin 2, transient receptor potential cation channel; plus strand). Cytogenetic location: 4q22.1.
Variant type: single nucleotide variant.
Coding change: c.658G>C on transcript NM_000297.4 (MANE Select); coding-DNA position 658, G replaced by C.
Protein change: p.Val220Leu; replaces valine 220 with leucine.
Molecular consequence: missense variant. On other transcripts: non-coding transcript variant (1).
Genome position (GRCh38, 1-based): chr4:88,019,520, G>C. VCF-style: chr4-88019520-G-C. GRCh37 (hg19) VCF-style: chr4-88940672-G-C.
Other names: short protein forms V220L.
Identifiers: ClinVar variation 3591355 (VCV003591355.3).

ClinVar aggregate classification (germline): Uncertain significance. Review status: criteria provided, multiple submitters, no conflicts (2 of 4 stars). 2 submissions from 2 submitters: Uncertain significance (2). Last evaluated 2024-07-30.

Conditions:
Autosomal dominant polycystic kidney disease. Identifiers: Orphanet 730, MedGen C0085413, MONDO:0004691.
Polycystic kidney disease 2 (PKD2). Also called: POLYCYSTIC KIDNEY DISEASE, ADULT, TYPE II; Polycystic Kidney Disease 2, Autosomal Dominant; POLYCYSTIC KIDNEY DISEASE 2 WITH OR WITHOUT POLYCYSTIC LIVER DISEASE. Identifiers: MedGen C2751306, MONDO:0013131, OMIM 613095.

gnomAD v4.1: 14 of 1,608,706 alleles (0.00087%); highest among the groups gnomAD compares: African/African-American, 0.019%; no homozygotes.

Submissions (2):

Labcorp Genetics (formerly Invitae), Labcorp
Classification: Uncertain significance for Autosomal dominant polycystic kidney disease. Last evaluated: 2024-07-30. Review status: criteria provided, single submitter. Criteria: Invitae Variant Classification Sherloc (09022015). Collection method: clinical testing. Allele origin: germline.
Comment: This sequence change replaces valine, which is neutral and non-polar, with leucine, which is neutral and non-polar, at codon 220 of the PKD2 protein (p.Val220Leu). This variant is present in population databases (rs774103805, gnomAD 0.01%). This variant has not been reported in the literature in individuals affected with PKD2-related conditions. Advanced modeling of protein sequence and biophysical properties (such as structural, functional, and spatial information, amino acid conservation, physicochemical variation, residue mobility, and thermodynamic stability) performed at Invitae indicates that this missense variant is not expected to disrupt PKD2 protein function with a negative predictive value of 80%. In summary, the available evidence is currently insufficient to determine the role of this variant in disease. Therefore, it has been classified as a Variant of Uncertain Significance.

Fulgent Genetics
Classification: Uncertain significance for Polycystic kidney disease 2. Last evaluated: 2024-04-15. Review status: criteria provided, single submitter. Criteria: ACMG Guidelines, 2015. Collection method: clinical testing. Allele origin: germline.